The following is an entry in ClinVar:

NM_000540.3(RYR1):c.10852G>A (p.Ala3618Thr)

Gene: RYR1 (ryanodine receptor 1; plus strand). Cytogenetic location: 19q13.2.
Variant type: single nucleotide variant.
Coding change: c.10852G>A on transcript NM_000540.3 (MANE Select); coding-DNA position 10852, G replaced by A.
Protein change: p.Ala3618Thr; replaces alanine 3618 with threonine.
Molecular consequence: missense variant.
Genome position (GRCh38, 1-based): chr19:38,528,333, G>A. VCF-style: chr19-38528333-G-A. GRCh37 (hg19) VCF-style: chr19-39018973-G-A.
Other names: c.10837G>A, p.Ala3613Thr (NM_001042723.2); short protein forms A3613T, A3618T.
Identifiers: ClinVar variation 1447237 (VCV001447237.8), dbSNP rs978802618, ClinGen allele CA308081812.

ClinVar aggregate classification (germline): Uncertain significance. Review status: criteria provided, multiple submitters, no conflicts (2 of 4 stars). 3 submissions from 3 submitters: Uncertain significance (3). Last evaluated 2025-10-23.

Conditions:
RYR1-related disorder. Also called: RYR1-related condition; RYR1-related disorders. Identifiers: MedGen CN239331.
Malignant hyperthermia, susceptibility to, 1 (MHS1). Also called: RYR1-Related Malignant Hyperthermia Susceptibility; Malignant hyperthermia suceptibility 1; Anesthesia related hyperthermia; Malignant hyperpyrexia; Fulminating hyperpyrexia; Pharmacogenic myopathy. Identifiers: Orphanet 423, MedGen C2930980, MONDO:0007783, OMIM 145600.

Allele frequency attached by ClinVar (database versions not stated): gnomAD exomes below 0.00001.
gnomAD v4.1: 2 of 1,614,120 alleles (0.00012%); highest among the groups gnomAD compares: Admixed American, 0.0017%; no homozygotes.

Submissions (3):

Labcorp Genetics (formerly Invitae), Labcorp
Classification: Uncertain significance for RYR1-related disorder. Last evaluated: 2025-10-23. Review status: criteria provided, single submitter. Criteria: Invitae Variant Classification Sherloc (09022015). Collection method: clinical testing. Allele origin: germline.
Comment: This sequence change replaces alanine, which is neutral and non-polar, with threonine, which is neutral and polar, at codon 3618 of the RYR1 protein (p.Ala3618Thr). This variant is not present in population databases (gnomAD no frequency). This missense change has been observed in individual(s) with clinical features of RYR1-related conditions (internal data). ClinVar contains an entry for this variant (Variation ID: 1447237). Invitae Evidence Modeling of protein sequence and biophysical properties (such as structural, functional, and spatial information, amino acid conservation, physicochemical variation, residue mobility, and thermodynamic stability) indicates that this missense variant is not expected to disrupt RYR1 protein function with a negative predictive value of 80%. In summary, the available evidence is currently insufficient to determine the role of this variant in disease. Therefore, it has been classified as a Variant of Uncertain Significance.

Color Diagnostics, LLC DBA Color Health
Classification: Uncertain significance for Malignant hyperthermia, susceptibility to, 1. Last evaluated: 2025-07-08. Review status: criteria provided, single submitter. Criteria: ACMG Guidelines, 2015. Collection method: clinical testing. Allele origin: germline.
Comment: This missense variant replaces alanine with threonine at codon 3618 of the RYR1 protein. Computational prediction is inconclusive regarding the impact of this variant on protein structure and function. To our knowledge, functional studies have not been reported for this variant. This variant has not been reported in individuals affected with RYR1-related disorders in the literature. This variant has not been identified in the general population by the Genome Aggregation Database (gnomAD). The available evidence is insufficient to determine the role of this variant in disease conclusively. Therefore, this variant is classified as a Variant of Uncertain Significance.

Revvity Omics, Revvity
Classification: Uncertain significance. Last evaluated: 2022-01-25. Review status: criteria provided, single submitter. Criteria: ACMG Guidelines, 2015. Collection method: clinical testing. Allele origin: germline.